The following is an entry in ClinVar:

NM_000059.4(BRCA2):c.8702G>A (p.Gly2901Asp)

Gene: BRCA2 (BRCA2 DNA repair associated; plus strand). Cytogenetic location: 13q13.1.
Variant type: single nucleotide variant.
Coding change: c.8702G>A on transcript NM_000059.4 (MANE Select); coding-DNA position 8702, G replaced by A.
Protein change: p.Gly2901Asp; replaces glycine 2901 with aspartic acid.
Molecular consequence: missense variant.
Genome position (GRCh38, 1-based): chr13:32,376,739, G>A. VCF-style: chr13-32376739-G-A. GRCh37 (hg19) VCF-style: chr13-32950876-G-A.
Other names: p.G2901D:GGT>GAT; NM_000059.4(BRCA2):c.8702G>A; 8930G>A; short protein forms G2901D.
Identifiers: ClinVar variation 38180 (VCV000038180.37), dbSNP rs80359129, ClinGen allele CA025788.

ClinVar aggregate classification (germline): Benign. Review status: reviewed by expert panel (3 of 4 stars). 18 submissions from 18 submitters: Benign (1). 17 of the submissions do not count toward it. Last evaluated 2025-12-02.

Conditions:
BRCA2-related cancer predisposition. Identifiers: MedGen CN377758, MONDO:0700269.
BRCA2-related disorder. Also called: BRCA2-related condition; BRCA2-related disorders. Identifiers: MedGen CN239275.
Hereditary cancer-predisposing syndrome. Also called: Neoplastic Syndromes, Hereditary; Hereditary neoplastic syndrome; Tumor predisposition; Hereditary Cancer Syndrome. Identifiers: Orphanet 140162, MedGen C0027672, MeSH D009386, MONDO:0015356.
Ovarian cancer. Also called: OVARIAN CANCER, SOMATIC. Identifiers: Orphanet 213500, MedGen C1140680, MONDO:0008170, OMIM 167000.
Breast-ovarian cancer, familial, susceptibility to, 2 (BROVCA2). Also called: BRCA2 Hereditary Breast and Ovarian Cancer. Identifiers: Orphanet 145, MedGen C2675520, MONDO:0012933, OMIM 612555. Disease mechanism: loss of function.
Familial cancer of breast. Also called: BREAST CANCER, FAMILIAL; Hereditary breast cancer; hereditary breast carcinoma. Identifiers: Orphanet 227535, MedGen C0346153, MONDO:0016419, OMIM 114480. Disease mechanism: loss of function.
Hereditary breast ovarian cancer syndrome. Also called: Hereditary breast and/or ovarian cancer syndrome; Breast and ovarian cancer; BRCA1- and BRCA2-Associated Hereditary Breast and Ovarian Cancer; Hereditary breast and ovarian cancer; Hereditary breast and ovarian cancer syndrome; Hereditary breast and ovarian cancer syndrome (HBOC). Identifiers: Orphanet 145, MedGen C0677776, MeSH D061325, MONDO:0003582. Disease mechanism: loss of function.

Allele frequency attached by ClinVar (database versions not stated): gnomAD 0.00004; TOPMed 0.00007; ExAC 0.00012; 1000 Genomes Project 30x 0.00016; 1000 Genomes Project 0.00020.
gnomAD v4.1: 27 of 1,614,146 alleles (0.0017%); highest among the groups gnomAD compares: East Asian, 0.058%; no homozygotes.

Submissions (18):

ClinGen ENIGMA BRCA1 and BRCA2 Variant Curation Expert Panel, ClinGen
Classification: Benign for BRCA2-related cancer predisposition. Last evaluated: 2025-12-02. Review status: reviewed by expert panel. Criteria: CSpec BRCA12ACMG Rules Specifications V1.1. Collection method: curation. Allele origin: germline. Inheritance: Autosomal dominant inheritance.
Comment: The c.8702G>A variant in BRCA2 is a missense variant predicted to cause substitution of Glycine by Aspartic Acid at amino acid 2901 (p.(Gly2901Asp)). The highest non-founder population filter allele frequency in gnomAD v4.1 (read depth ≥20) is 0.0004052 in the East Asian population, which is above the ENIGMA BRCA1/2 VCEP threshold (>0.0001) for BS1, and below the BA1 threshold (>0.001) (BS1 met). This BRCA2 missense variant is within a key functional domain and a SpliceAI score of 0 predicts no impact on splicing (score threshold ≤0.1). The computational predictor BayesDel (noAF) gives a score of 0.37, above the recommended threshold of 0.30 for prediction of impact on BRCA2 function via protein change (PP3 met). Reported by four calibrated study to exhibit protein function similar to benign control variants (PMIDs:38417439, 39779857, 39779848, 18607349) (BS3 met). Multifactorial likelihood ratio analysis using clinically calibrated data produced a combined LR for this variant of 0.72 (based on Pathology LR=1.15; Co-occurrence LR=1.08; Family History LR=0.58), which is above the ENIGMA BRCA1/2 VCEP threshold for BP5 (>0.48) and below PP4 (<2.08) (BP5 and PP4 not met; PMID: 31131967). In summary, this variant meets the criteria to be classified as a Benign variant for BRCA2-related cancer predisposition based on the ACMG/AMP criteria applied as specified by the ENIGMA BRCA1/2 VCEP (BS1, BS3, PP3).

Labcorp Genetics (formerly Invitae), Labcorp
Classification: Benign for Hereditary breast ovarian cancer syndrome. Last evaluated: 2026-01-31. Review status: criteria provided, single submitter. Criteria: Invitae Variant Classification Sherloc (09022015). Collection method: clinical testing. Allele origin: germline. Not counted in ClinVar's aggregate classification.

Blueprint Genetics
Classification: Likely benign. Last evaluated: 2024-11-15. Review status: criteria provided, single submitter. Criteria: ACMG Guidelines, 2015. Collection method: clinical testing. Allele origin: germline. Not counted in ClinVar's aggregate classification.

Color Diagnostics, LLC DBA Color Health
Classification: Benign for Hereditary cancer-predisposing syndrome. Last evaluated: 2024-03-27. Review status: criteria provided, single submitter. Criteria: ACMG Guidelines, 2015. Collection method: clinical testing. Allele origin: germline. Not counted in ClinVar's aggregate classification.

All of Us Research Program, National Institutes of Health
Classification: Benign for Breast-ovarian cancer, familial, susceptibility to, 2. Last evaluated: 2023-06-08. Review status: criteria provided, single submitter. Criteria: ACMG Guidelines, 2015. Collection method: clinical testing. Allele origin: germline. Inheritance: Autosomal dominant inheritance. Observed: 3 variant alleles, 3 heterozygotes. Not counted in ClinVar's aggregate classification.
Comment: This study involves interpretation of variants in research participants for the purpose of population health screening. Participant phenotype was not available at the time of variant classification. Additional details can be found in publication PMID: 35346344, PMCID: PMC8962531

Department of Pathology and Laboratory Medicine, Sinai Health System
Classification: Likely benign for Familial cancer of breast; Breast-ovarian cancer, familial, susceptibility to, 2. Last evaluated: 2021-04-15. Review status: criteria provided, single submitter. Criteria: ACMG Guidelines, 2015. Collection method: clinical testing. Allele origin: germline. Affected: yes. Not counted in ClinVar's aggregate classification.

GeneDx
Classification: Likely benign. Last evaluated: 2021-02-03. Review status: criteria provided, single submitter. Criteria: GeneDx Variant Classification Process June 2021. Collection method: clinical testing. Allele origin: germline. Affected: yes. Not counted in ClinVar's aggregate classification.
Comment: This variant is associated with the following publications: (PMID: 26757417, 23108138, 19043619, 28277317, 14973102, 18607349, 9579822, 24323938, 22486713, 18627636, 18779604, 26221963, 11251181, 28222693, 29394989, 26848529, 29681614, 24817641, 31131967, 29884841, 31825140)

Mendelics
Classification: Benign for Breast-ovarian cancer, familial, susceptibility to, 2. Last evaluated: 2019-05-28. Review status: criteria provided, single submitter. Criteria: Mendelics Assertion Criteria 2017. Collection method: clinical testing. Allele origin: unknown. Not counted in ClinVar's aggregate classification.

Ambry Genetics
Classification: Likely benign for Hereditary cancer-predisposing syndrome. Last evaluated: 2019-02-22. Review status: criteria provided, single submitter. Criteria: Ambry Variant Classification Scheme 2023. Collection method: clinical testing. Allele origin: germline. Not counted in ClinVar's aggregate classification.

Genetic Services Laboratory, University of Chicago
Classification: Likely benign. Last evaluated: 2019-01-02. Review status: criteria provided, single submitter. Criteria: ACMG Guidelines, 2015. Collection method: clinical testing. Allele origin: germline. Affected: no. Not counted in ClinVar's aggregate classification.

Quest Diagnostics Nichols Institute San Juan Capistrano
Classification: Benign. Last evaluated: 2018-09-07. Review status: criteria provided, single submitter. Criteria: Quest Diagnostics criteria. Collection method: clinical testing. Allele origin: germline. Not counted in ClinVar's aggregate classification.

Women's Health and Genetics/Laboratory Corporation of America, LabCorp
Classification: Likely benign. Last evaluated: 2016-05-02. Review status: criteria provided, single submitter. Criteria: LabCorp Variant Classification Summary - May 2015. Collection method: clinical testing. Allele origin: germline. Not counted in ClinVar's aggregate classification.
Comment: Variant summary: The c.8702G>A variant affects a conserved nucleotide, resulting in amino acid change from Gly to Asp. 4/4 in-silico tools predict damaging outcome for this variant. This variant is found in 14/121646 control chromosomes from ExAC at a frequency of 0.0001151. It was predominantly reported in East Asian subpopulation with an allele frequency of 0.0016 which is about 2.15 times higher than the maximum expected allele frequency of a pathogenic variant in this gene suggesting that it is likely to be a polymorphism in East Asians. The variant has been reported in several breast and/or ovarian cancer patients/families, mainly of East Asian origin, without strong evidence for pathogenicity. 590delA was also found, possibly suggesting for an alternative disease mechanism. In addition, it was also found in once in each of benign breast cancer patient and healthy control cohorts, possibly suggesting a benign outcome. Functional studies (HDR, cell viability and drug sensitivity assays) shows neutral outcome for this variant. Three out of five clinical labs have also classified this variant as likely benign/benign (other two as uncertain significance). Taken together, this variant has currently been classified as likely benign.

PreventionGenetics, part of Exact Sciences
Classification: Likely benign for BRCA2-related condition. Last evaluated: 2022-01-25. Review status: no assertion criteria provided. Collection method: clinical testing. Allele origin: germline. Not counted in ClinVar's aggregate classification.
Comment: This variant is classified as likely benign based on ACMG/AMP sequence variant interpretation guidelines (Richards et al. 2015 PMID: 25741868, with internal and published modifications).

Counsyl
Classification: Uncertain significance for Breast-ovarian cancer, familial, susceptibility to, 2. Last evaluated: 2015-11-25. Review status: no assertion criteria provided. Collection method: clinical testing. Allele origin: unknown. Not counted in ClinVar's aggregate classification.

Sharing Clinical Reports Project (SCRP)
Classification: Likely benign for Breast-ovarian cancer, familial 2. Last evaluated: 2010-01-22. Review status: no assertion criteria provided. Collection method: clinical testing. Allele origin: germline. Not counted in ClinVar's aggregate classification.

Center for Precision Medicine, Meizhou People's Hospital
Classification: Likely benign for Familial cancer of breast. Review status: no assertion criteria provided. Collection method: literature only. Allele origin: germline. Affected: yes. Not counted in ClinVar's aggregate classification.

Laboratory of Molecular Epidemiology of Birth Defects, West China Second University Hospital, Sichuan University
Classification: Likely pathogenic for Ovarian cancer. Last evaluated: 2022-01-01. Review status: flagged submission. Criteria: ACMG Guidelines, 2015. Collection method: clinical testing. Allele origin: germline. Affected: yes. Not counted in ClinVar's aggregate classification.
ClinVar note: Reason: Outlier claim with insufficient supporting evidence

Breast Cancer Information Core (BIC) (BRCA2)
Classification: Uncertain significance for Breast-ovarian cancer, familial 2. Last evaluated: 2000-06-12. Review status: flagged submission. Collection method: clinical testing. Allele origin: germline. Affected: yes. Observed: 3 variant alleles. Not counted in ClinVar's aggregate classification.
ClinVar note: Reason: Outlier claim with insufficient supporting evidence

Literature cited by the submitters: PubMed 33471991 (cited by Department of Pathology and Laboratory Medicine, Sinai Health System); PubMed 9579822 (cited by 4 submitters); PubMed 14973102 (cited by 4 submitters); PubMed 18627636 (cited by 4 submitters); PubMed 18779604 (cited by 4 submitters); PubMed 22486713 (cited by 4 submitters); PubMed 26221963 (cited by 3 submitters); PubMed 26757417 (cited by 5 submitters); PubMed 28222693 (cited by Department of Pathology and Laboratory Medicine, Sinai Health System and Quest Diagnostics Nichols Institute San Juan Capistrano); PubMed 18607349 (cited by 4 submitters); PubMed 29394989 (cited by Department of Pathology and Laboratory Medicine, Sinai Health System and Quest Diagnostics Nichols Institute San Juan Capistrano); PubMed 19043619 (cited by Quest Diagnostics Nichols Institute San Juan Capistrano and Center for Precision Medicine, Meizhou People's Hospital); PubMed 23108138 (cited by 4 submitters); PubMed 29681614 (cited by Quest Diagnostics Nichols Institute San Juan Capistrano); PubMed 26848529 (cited by Women's Health and Genetics/Laboratory Corporation of America, LabCorp); PubMed 24817641 (cited by Counsyl); PubMed 25151137 (cited by Counsyl); PubMed 28277317 (cited by Center for Precision Medicine, Meizhou People's Hospital).